The following is an entry in ClinVar:

NM_002382.5(MAX):c.182C>T (p.Ala61Val)

Gene: MAX (MYC associated transcriptional regulator X; minus strand). Cytogenetic location: 14q23.3.
Variant type: single nucleotide variant.
Coding change: c.182C>T on transcript NM_002382.5 (MANE Select); coding-DNA position 182, C replaced by T.
Protein change: p.Ala61Val; replaces alanine 61 with valine.
Molecular consequence: missense variant. On other transcripts: 5 prime UTR variant (1), intron variant (2).
Genome position (GRCh38, 1-based): chr14:65,078,026, G>A on the plus strand (C>T on the coding strand, the complement: MAX is on the minus strand). VCF-style: chr14-65078026-G-A. GRCh37 (hg19) VCF-style: chr14-65544744-G-A.
Other names: c.-93C>T (NM_001320415.2, NM_001407105.1, NM_001407106.1 and 1 more transcripts); c.182C>T, p.Ala61Val (NM_001407094.1, NM_001407096.1, NM_001407097.1 and 3 more transcripts); c.155C>T, p.Ala52Val (NM_001407095.1, NM_001407099.1, NM_001407100.1 and 6 more transcripts); c.74C>T, p.Ala25Val (NM_001407098.1); c.-186C>T (NM_001407111.1, NM_001407112.1); c.144+15682C>T (NM_001271069.2); c.171+15682C>T (NM_197957.4); short protein forms A25V, A52V, A61V.
Identifiers: ClinVar variation 1720341 (VCV001720341.7), dbSNP rs2139755867, ClinGen allele CA390035976.

ClinVar aggregate classification (germline): Uncertain significance. Review status: criteria provided, multiple submitters, no conflicts (2 of 4 stars). 2 submissions from 2 submitters: Uncertain significance (2). Last evaluated 2023-05-01.

Conditions:
Hereditary cancer-predisposing syndrome. Also called: Neoplastic Syndromes, Hereditary; Tumor predisposition; Hereditary Cancer Syndrome; Hereditary neoplastic syndrome. Identifiers: Orphanet 140162, MedGen C0027672, MeSH D009386, MONDO:0015356.
Hereditary pheochromocytoma and paraganglioma. Also called: Hereditary pheochromocytoma-paraganglioma; Hereditary paragangliomas and pheochromocytomas; Hereditary Paraganglioma-Pheochromocytoma Syndromes. Identifiers: Orphanet 29072, MedGen C4274332, MONDO:0017366.

Submissions (2):

Ambry Genetics
Classification: Uncertain significance for Hereditary cancer-predisposing syndrome. Last evaluated: 2023-05-01. Review status: criteria provided, single submitter. Criteria: Ambry Variant Classification Scheme 2023. Collection method: clinical testing. Allele origin: germline.
Comment: The p.A61V variant (also known as c.182C>T), located in coding exon 4 of the MAX gene, results from a C to T substitution at nucleotide position 182. The alanine at codon 61 is replaced by valine, an amino acid with similar properties. This amino acid position is highly conserved in available vertebrate species. In addition, this alteration is predicted to be deleterious by in silico analysis. Since supporting evidence is limited at this time, the clinical significance of this alteration remains unclear.

Labcorp Genetics (formerly Invitae), Labcorp
Classification: Uncertain significance for Hereditary pheochromocytoma and paraganglioma. Last evaluated: 2022-09-25. Review status: criteria provided, single submitter. Criteria: Invitae Variant Classification Sherloc (09022015). Collection method: clinical testing. Allele origin: germline.
Comment: In summary, the available evidence is currently insufficient to determine the role of this variant in disease. Therefore, it has been classified as a Variant of Uncertain Significance. Algorithms developed to predict the effect of missense changes on protein structure and function (SIFT, PolyPhen-2, Align-GVGD) all suggest that this variant is likely to be disruptive. This variant has not been reported in the literature in individuals affected with MAX-related conditions. This variant is not present in population databases (gnomAD no frequency). This sequence change replaces alanine, which is neutral and non-polar, with valine, which is neutral and non-polar, at codon 61 of the MAX protein (p.Ala61Val).